The following is an entry in ClinVar:

NM_001048174.2(MUTYH):c.111T>G (p.Cys37Trp)

Gene: MUTYH (mutY DNA glycosylase; minus strand). Cytogenetic location: 1p34.1.
Variant type: single nucleotide variant.
Coding change: c.111T>G on transcript NM_001048174.2 (MANE Select); coding-DNA position 111, T replaced by G.
Protein change: p.Cys37Trp; replaces cysteine 37 with tryptophan.
Molecular consequence: missense variant. On other transcripts: 5 prime UTR variant (7), non-coding transcript variant (7).
Genome position (GRCh38, 1-based): chr1:45,334,395, A>C on the plus strand (T>G on the coding strand, the complement: MUTYH is on the minus strand). VCF-style: chr1-45334395-A-C. GRCh37 (hg19) VCF-style: chr1-45800067-A-C.
Other names: c.111T>G, p.Cys37Trp (NM_001048171.2, NM_001048172.2, NM_001048173.2 and 15 more transcripts); c.153T>G, p.Cys51Trp (NM_001128425.2, NM_001293190.2, NM_001407069.1 and 2 more transcripts); c.-102T>G (NM_001293192.2, NM_001293196.2, NM_001407091.1); c.-161T>G (NM_001350650.2); c.-97T>G (NM_001350651.2, NM_001407082.1); c.-46T>G (NM_001407075.1); c.129T>G, p.Cys43Trp (NM_001407087.1); short protein forms C37W, C43W, C51W.
Identifiers: ClinVar variation 4113341 (VCV004113341.1).
Genomic context (GRCh38, chr1:45,334,395, plus strand): 5'-AGCCTGAATCTGCCTTTCATGGCCAATGAGCCTTGGGCCACAACCTAGTTCCTTACCATC[A>C]CAGGCAGAAGGCTTGGCCTGACTGTTGTTCTTAGCATGCTTCTGCCTCCCTTCCTGGCTG-3'
Protein context (NP_001041639.1, residues 27-47): KNNSQAKPSA[Cys37Trp]DGLARQPEEV

ClinVar aggregate classification (germline): Uncertain significance (1 of 4 stars; one submission).

Conditions:
Hereditary cancer-predisposing syndrome. Also called: Tumor predisposition; Neoplastic Syndromes, Hereditary; Hereditary neoplastic syndrome; Hereditary Cancer Syndrome. Identifiers: Orphanet 140162, MedGen C0027672, MeSH D009386, MONDO:0015356.

Submission:

Ambry Genetics
Classification: Uncertain significance for Hereditary cancer-predisposing syndrome. Last evaluated: 2025-08-27. Review status: criteria provided, single submitter. Criteria: Ambry Variant Classification Scheme 2023. Collection method: clinical testing. Allele origin: germline.
Comment: The p.C51W variant (also known as c.153T>G), located in coding exon 2 of the MUTYH gene, results from a T to G substitution at nucleotide position 153. The cysteine at codon 51 is replaced by tryptophan, an amino acid with highly dissimilar properties. This amino acid position is conserved. In addition, this alteration is predicted to be tolerated by in silico analysis. Based on the available evidence, the clinical significance of this variant remains unclear.